The following is an entry in ClinVar:

NM_017739.4(POMGNT1):c.698C>T (p.Ser233Phe)

Genes: POMGNT1 (protein O-linked mannose N-acetylglucosaminyltransferase 1 (beta 1,2-); minus strand), TSPAN1 (tetraspanin 1; plus strand). Cytogenetic location: 1p34.1.
Variant type: single nucleotide variant.
Coding change: c.698C>T on transcript NM_017739.4 (MANE Select); coding-DNA position 698, C replaced by T.
Protein change: p.Ser233Phe; replaces serine 233 with phenylalanine.
Molecular consequence: missense variant.
Genome position (GRCh38, 1-based): chr1:46,194,606, G>A on the plus strand (C>T on the coding strand, the complement: POMGNT1 is on the minus strand). VCF-style: chr1-46194606-G-A. GRCh37 (hg19) VCF-style: chr1-46660278-G-A.
Other names: c.698C>T, p.Ser233Phe (NM_001243766.2, NM_001410783.1); c.632C>T, p.Ser211Phe (NM_001290129.3); c.269C>T, p.Ser90Phe (NM_001290130.2); short protein forms S233F, S211F, S90F.
Identifiers: ClinVar variation 373719 (VCV000373719.17), dbSNP rs569061665, ClinGen allele CA833641.

ClinVar aggregate classification (germline): Conflicting classifications of pathogenicity. Review status: criteria provided, conflicting classifications (1 of 4 stars). 5 submissions from 4 submitters: Uncertain significance (3); Likely benign (1). 1 of the submissions does not count toward it. Last evaluated 2026-01-25.

Conditions:
Autosomal recessive limb-girdle muscular dystrophy type 2O. Also called: Limb-Girdle Muscular Dystrophy Type 3C; MUSCULAR DYSTROPHY-DYSTROGLYCANOPATHY, LIMB-GIRDLE, POMGNT1-RELATED; MUSCULAR DYSTROPHY-DYSTROGLYCANOPATHY (LIMB-GIRDLE), TYPE C, 3. Identifiers: Orphanet 206564, MedGen C3150417, MONDO:0013161, OMIM 613157.
POMGNT1-related disorder. Also called: POMGNT1-related disorders; POMGNT1-related condition. Identifiers: MedGen CN239299.
Congenital Muscular Dystrophy, alpha-dystroglycan related.
Muscular dystrophy-dystroglycanopathy (congenital with impaired intellectual development), type B, 3. Also called: Muscular dystrophy-dystroglycanopathy (congenital with intellectual disability), type B3; MUSCULAR DYSTROPHY, CONGENITAL, POMGNT1-RELATED. Identifiers: MedGen C3150412, MONDO:0013155, OMIM 613151.

Allele frequency attached by ClinVar (database versions not stated): gnomAD 0.00003; 1000 Genomes Project 30x 0.00016; 1000 Genomes Project 0.00020; ExAC 0.00039; TOPMed 0.00002.
gnomAD v4.1: 250 of 1,614,210 alleles (0.015%); highest among the groups gnomAD compares: South Asian, 0.25%; 3 homozygotes.

Submissions (5):

Labcorp Genetics (formerly Invitae), Labcorp
Classification: Likely benign for Autosomal recessive limb-girdle muscular dystrophy type 2O; Muscular dystrophy-dystroglycanopathy (congenital with impaired intellectual development), type B, 3. Last evaluated: 2026-01-25. Review status: criteria provided, single submitter. Criteria: Invitae Variant Classification Sherloc (09022015). Collection method: clinical testing. Allele origin: germline.

Illumina Laboratory Services, Illumina
Classification: Uncertain significance for Autosomal recessive limb-girdle muscular dystrophy type 2O. Last evaluated: 2018-01-13. Review status: criteria provided, single submitter. Criteria: ICSL Variant Classification Criteria 13 December 2019. Collection method: clinical testing. Allele origin: germline.

Illumina Laboratory Services, Illumina
Classification: Uncertain significance for Congenital Muscular Dystrophy, alpha-dystroglycan related. Last evaluated: 2018-01-13. Review status: criteria provided, single submitter. Criteria: ICSL Variant Classification Criteria 13 December 2019. Collection method: clinical testing. Allele origin: germline.

GeneDx
Classification: Uncertain significance. Last evaluated: 2016-12-14. Review status: criteria provided, single submitter. Criteria: GeneDx Variant Classification (06012015). Collection method: clinical testing. Allele origin: germline. Affected: yes.
Comment: A variant of uncertain significance has been identified in the POMGNT1 gene. The S233F variant has not been published as a pathogenic variant, nor has it been reported as a benign variant to our knowledge. The S233F variant is observed in 43/16,512 (0.3%) alleles from individuals of South Asian background (Lek et al., 2016; 1000 Genomes Consortium et al., 2015; Exome Variant Server). The S233F variant is a non-conservative amino acid substitution, which is likely to impact secondary protein structure as these residues differ in polarity, charge, size and/or other properties. This substitution occurs at a position where amino acids with similar properties to Serine are tolerated across species. In silico analysis predicts this variant is probably damaging to the protein structure/function. Based on the currently available information, it is unclear whether this variant is a pathogenic variant or a rare benign variant.

PreventionGenetics, part of Exact Sciences
Classification: Likely benign for POMGNT1-related condition. Last evaluated: 2023-09-15. Review status: no assertion criteria provided. Collection method: clinical testing. Allele origin: germline. Not counted in ClinVar's aggregate classification.
Comment: This variant is classified as likely benign based on ACMG/AMP sequence variant interpretation guidelines (Richards et al. 2015 PMID: 25741868, with internal and published modifications).